The following is an entry in ClinVar:

NM_000062.3(SERPING1):c.523_526delinsTG (p.Ala175fs)

Gene: SERPING1 (serpin family G member 1; plus strand). Cytogenetic location: 11q12.1.
Variant type: Indel.
Coding change: c.523_526delinsTG on transcript NM_000062.3 (MANE Select); coding-DNA positions 523 to 526, GCCA replaced by TG.
Protein change: p.Ala175fs; shifts the reading frame from alanine 175.
Molecular consequence: frameshift variant.
Genome position (GRCh38, 1-based): chr11:57,600,350-57,600,353, GCCA replaced by TG. VCF-style: chr11-57600350-GCCA-TG. GRCh37 (hg19) VCF-style: chr11-57367823-GCCA-TG.
Other names: c.523_526delinsTG, p.Ala175fs (NM_001032295.2); short protein forms A175fs.
Identifiers: ClinVar variation 3248618 (VCV003248618.4), dbSNP rs2495426787.

ClinVar aggregate classification (germline): Pathogenic (1 of 4 stars; one submission).

Conditions:
Angioedema. Identifiers: MedGen C0002994, MeSH D000799, MONDO:0010481, HP:0100665.

Submission:

DNA-diagnostics Laboratory, Research Centre For Medical Genetics
Classification: Pathogenic for Angioedema. Last evaluated: 2024-06-01. Review status: criteria provided, single submitter. Criteria: ACMG Guidelines, 2015. Collection method: research. Allele origin: germline. Inheritance: Autosomal dominant inheritance. Affected: yes. Observed: 1 heterozygote.
Comment: The pathogenic or likely pathogenic SERPING1 gene variants are detected in >90% of the HAE1/2 families and in >80% of the total HAE families (e.g., DOI: 10.1016/j.molimm.2008.05.007, 10.1159/2F000138883, 10.1016/j.molimm.2011.07.010). Across all SERPING1 gene exons, about 50% of the pathogenic or likely pathogenic variants associated with HAE are LoF (173/297 in ClinVar or 292/596 in HGMD 2022.1). The c.523_526delinsTG variant in SERPING1 is localized in exon 3 from total of eight gene exons assembling biologically-relevant transcripts, and it is predicted to result in the p.Ala175Trpfs*81 framechift and NMD. Additionally more than 3 LoF variants of the exon 3 SERPING1 gene are pathogenic without the PVS1 criterion: for example, such variants as c.346C>T (p.Gln116*, DOI: 10.1067/mai.2000.110471, 10.1371/journal.pone.0142174), c.120_121del (ClinVar ID: 3248624), c.550+5G>A (ClinVar ID: 3248617) and c.550G>A (p.Gly184Arg, ClinVar ID: 68253). The c.523_526delinsTG variant in SERPING1 meets ACMG/ClinGen SVI guidance criteria to be classified as pathogenic: PVS1, PM2_Sup